The following is an entry in ClinVar:

ClinVar aggregate classification (germline): Likely pathogenic. Review status: criteria provided, multiple submitters, no conflicts (2 of 4 stars). 2 submissions from 2 submitters: Likely pathogenic (2). Last evaluated 2024-05-22.

Conditions:
Cohen syndrome (COH1). Also called: Cutis verticis gyrata, retinitis pigmentosa, and sensorineural deafness; PEPPER SYNDROME. Identifiers: Orphanet 193, MedGen C0265223, MONDO:0008999, OMIM 216550.

Allele frequency attached by ClinVar (database versions not stated): ExAC 0.00001; gnomAD 0.00001; gnomAD exomes below 0.00001.
gnomAD v4.1: 1 of 1,613,066 alleles (0.000062%); highest among the groups gnomAD compares: East Asian, 0.0022%; no homozygotes.

Submissions (2):

Fulgent Genetics
Classification: Likely pathogenic for Cohen syndrome. Last evaluated: 2024-05-22. Review status: criteria provided, single submitter. Criteria: ACMG Guidelines, 2015. Collection method: clinical testing. Allele origin: germline.

Labcorp Genetics (formerly Invitae), Labcorp
Classification: Likely pathogenic for Cohen syndrome. Last evaluated: 2023-05-01. Review status: criteria provided, single submitter. Criteria: Invitae Variant Classification Sherloc (09022015). Collection method: clinical testing. Allele origin: germline.
Comment: In summary, the currently available evidence indicates that the variant is pathogenic, but additional data are needed to prove that conclusively. Therefore, this variant has been classified as Likely Pathogenic. Algorithms developed to predict the effect of sequence changes on RNA splicing suggest that this variant may disrupt the consensus splice site. ClinVar contains an entry for this variant (Variation ID: 1348700). This variant has not been reported in the literature in individuals affected with VPS13B-related conditions. This variant is present in population databases (rs780902262, gnomAD 0.006%). This sequence change affects a donor splice site in intron 56 of the VPS13B gene. It is expected to disrupt RNA splicing. Variants that disrupt the donor or acceptor splice site typically lead to a loss of protein function (PMID: 16199547), and loss-of-function variants in VPS13B are known to be pathogenic (PMID: 15141358, 16648375, 20461111).

Literature cited by the submitters: PubMed 16199547 (cited by Labcorp Genetics (formerly Invitae), Labcorp); PubMed 15141358 (cited by Labcorp Genetics (formerly Invitae), Labcorp); PubMed 16648375 (cited by Labcorp Genetics (formerly Invitae), Labcorp); PubMed 20461111 (cited by Labcorp Genetics (formerly Invitae), Labcorp).

NM_152564.5(VPS13B):c.10867+1G>A

Gene: VPS13B (vacuolar protein sorting 13 homolog B; plus strand). Cytogenetic location: 8q22.2.
Variant type: single nucleotide variant.
Coding change: c.10867+1G>A on transcript NM_152564.5 (MANE Select); the canonical splice donor site of the intron after coding-DNA position 10867, G replaced by A.
Molecular consequence: splice donor variant.
Genome position (GRCh38, 1-based): chr8:99,854,257, G>A. VCF-style: chr8-99854257-G-A. GRCh37 (hg19) VCF-style: chr8-100866485-G-A.
Other names: c.10942+1G>A (NM_017890.4, NM_017890.5).
Identifiers: ClinVar variation 1348700 (VCV001348700.7), dbSNP rs780902262, ClinGen allele CA4825030.
Genomic context (GRCh38, chr8:99,854,257, plus strand): 5'-CGAGGCAGCTTGTGCACGCCCTGGCAATGCACTATGCCGCTGGGGCCCTTTTTAGAGCAG[G>A]TAAGAACACAAGCTGAGGGTCTGTGATGAGCTAGAGCCCGGGTAGAAATGACACGCTTGG-3'